The following is an entry in ClinVar:

NM_016277.5(RAB23):c.*1740C>T

Genes: BAG2 (BAG cochaperone 2; plus strand), RAB23 (RAB23, member RAS oncogene family; minus strand). Cytogenetic location: 6p12.1.
Variant type: single nucleotide variant.
Coding change: c.*1740C>T on transcript NM_016277.5 (MANE Select); 1740 bases downstream of the stop codon, C replaced by T.
Molecular consequence: 3 prime UTR variant. On other transcripts: non-coding transcript variant (1).
Genome position (GRCh38, 1-based): chr6:57,188,721, G>A on the plus strand (C>T on the coding strand, the complement: RAB23 is on the minus strand). VCF-style: chr6-57188721-G-A. GRCh37 (hg19) VCF-style: chr6-57053519-G-A.
Other names: c.*1740C>T (NM_001278666.2, NM_001278667.2, NM_001278668.2 and 1 more transcripts); c.*4531G>A (NM_004282.4).
Identifiers: ClinVar variation 910337 (VCV000910337.4), dbSNP rs9382689, ClinGen allele CA15440452.
Genomic context (GRCh38, chr6:57,188,721, plus strand): 5'-CCCCAAAACCTATGTCACTATCAGCAATGGGAGTGGTGACAACTGGTGACATAAAAATAA[G>A]CATTTTACATTACTGTGAAATAGATAATGCCAGATCATTTCAATATAATGAAAAGCAAAA-3'

ClinVar aggregate classification (germline): Benign (1 of 4 stars; one submission).

Conditions:
RAB23-related Carpenter syndrome. Also called: ACPS II; Carpenter syndrome 1. Identifiers: Orphanet 65759, MedGen C4551510, MONDO:0008710, OMIM 201000.

Allele frequency attached by ClinVar (database versions not stated): gnomAD 0.26009 and 0.26771; TOPMed 0.25524; 1000 Genomes Project 0.21925; 1000 Genomes Project 30x 0.22283.

Submission:

Illumina Laboratory Services, Illumina
Classification: Benign for RAB23-related Carpenter syndrome. Last evaluated: 2018-01-12. Review status: criteria provided, single submitter. Criteria: ICSL Variant Classification Criteria 13 December 2019. Collection method: clinical testing. Allele origin: germline.
Comment: This variant was observed in the ICSL laboratory as part of a predisposition screen in an ostensibly healthy population. It had not been previously curated by ICSL or reported in the Human Gene Mutation Database (HGMD: prior to June 1st, 2018), and was therefore a candidate for classification through an automated scoring system. Utilizing variant allele frequency, disease prevalence and penetrance estimates, and inheritance mode, an automated score was calculated to assess if this variant is too frequent to cause the disease. Based on the score and internal cut-off values, a variant classified as benign is not then subjected to further curation. The score for this variant resulted in a classification of benign for this disease.